The following is an entry in ClinVar:

NM_000540.3(RYR1):c.8403C>G (p.Asp2801Glu)

Genes: RYR1 (ryanodine receptor 1; plus strand), LOC126862902 (BRD4-independent group 4 enhancer GRCh37_chr19:38995830-38997029; plus strand). Cytogenetic location: 19q13.2.
Variant type: single nucleotide variant.
Coding change: c.8403C>G on transcript NM_000540.3 (MANE Select); coding-DNA position 8403, C replaced by G.
Protein change: p.Asp2801Glu; replaces aspartic acid 2801 with glutamic acid.
Molecular consequence: missense variant.
Genome position (GRCh38, 1-based): chr19:38,505,808, C>G. VCF-style: chr19-38505808-C-G. GRCh37 (hg19) VCF-style: chr19-38996448-C-G.
Other names: c.8403C>G, p.Asp2801Glu (NM_001042723.2); short protein forms D2801E.
Identifiers: ClinVar variation 3385473 (VCV003385473.1).
Genomic context (GRCh38, chr19:38,505,808, plus strand): 5'-TTCCTCCACCCCTCTCTCATCCCATTCCACCAACTCCCCACCCTCCTGTCCACCCCAGGA[C>G]AAAGAGATTTACCGCTGGCCCATCAAGGAGTCCCTGAAGGCCATGATTGCCTGGGAATGG-3'
Protein context (NP_000531.2, residues 2791-2811): LRPYKTFSEK[Asp2801Glu]KEIYRWPIKE

ClinVar aggregate classification (germline): Uncertain significance (1 of 4 stars; one submission).

Conditions:
Malignant hyperthermia, susceptibility to, 1 (MHS1). Also called: Anesthesia related hyperthermia; Malignant hyperpyrexia; Fulminating hyperpyrexia; Pharmacogenic myopathy; Malignant hyperthermia suceptibility 1; RYR1-Related Malignant Hyperthermia Susceptibility. Identifiers: Orphanet 423, MedGen C2930980, MONDO:0007783, OMIM 145600.

Submission:

All of Us Research Program, National Institutes of Health
Classification: Uncertain significance for Malignant hyperthermia, susceptibility to, 1. Last evaluated: 2024-02-22. Review status: criteria provided, single submitter. Criteria: ACMG Guidelines, 2015. Collection method: clinical testing. Allele origin: germline. Inheritance: Autosomal dominant inheritance. Observed: 1 variant allele, 1 heterozygote.
Comment: This missense variant replaces aspartic acid with glutamic acid at codon 2801 of the RYR1 protein. Computational prediction suggests that this variant may not impact protein structure and function (internally defined REVEL score threshold <= 0.5, PMID: 27666373). To our knowledge, functional studies have not been reported for this variant. This variant has not been reported in individuals affected with RYR1-related disorders in the literature. This variant has not been identified in the general population by the Genome Aggregation Database (gnomAD). The available evidence is insufficient to determine the role of this variant in disease conclusively. Therefore, this variant is classified as a Variant of Uncertain Significance.

This study involves interpretation of variants in research participants for the purpose of population health screening. Participant phenotype was not available at the time of variant classification. Additional details can be found in publication PMID: 35346344, PMCID: PMC8962531